The following is an entry in ClinVar:

NM_001407.3(CELSR3):c.4034C>T (p.Pro1345Leu)

Gene: CELSR3 (cadherin EGF LAG seven-pass G-type receptor 3; minus strand). Cytogenetic location: 3p21.31.
Variant type: single nucleotide variant.
Coding change: c.4034C>T on transcript NM_001407.3 (MANE Select); coding-DNA position 4034, C replaced by T.
Protein change: p.Pro1345Leu; replaces proline 1345 with leucine.
Molecular consequence: missense variant.
Genome position (GRCh38, 1-based): chr3:48,657,063, G>A on the plus strand (C>T on the coding strand, the complement: CELSR3 is on the minus strand). VCF-style: chr3-48657063-G-A. GRCh37 (hg19) VCF-style: chr3-48694496-G-A.
Other names: short protein forms P1345L.
Identifiers: ClinVar variation 2672062 (VCV002672062.1), dbSNP rs575626169, ClinGen allele CA2385030.

ClinVar aggregate classification (germline): Likely benign (0 of 4 stars; one submission).

Allele frequency attached by ClinVar (database versions not stated): gnomAD exomes below 0.00001; TOPMed below 0.00001; ExAC 0.00002; gnomAD 0.00003; 1000 Genomes Project 0.00060; 1000 Genomes Project 30x 0.00062.

Submission:

Institute of Anatomy and Cell Biology, Medical Faculty, University Of Bonn
Classification: Likely benign. Last evaluated: 2023-08-16. Review status: no assertion criteria provided. Collection method: clinical testing. Allele origin: inherited. Affected: yes.
Comment: This variant was observed in homozygosity